The following is an entry in ClinVar:

NM_004387.4(NKX2-5):c.335-147A>C

Gene: NKX2-5 (NK2 homeobox 5; minus strand). Cytogenetic location: 5q35.1.
Variant type: single nucleotide variant.
Coding change: c.335-147A>C on transcript NM_004387.4 (MANE Select); 147 bases into the intron before coding-DNA position 335, A replaced by C.
Molecular consequence: intron variant. On other transcripts: 3 prime UTR variant (1), missense variant (1).
Genome position (GRCh38, 1-based): chr5:173,233,356, T>G on the plus strand (A>C on the coding strand, the complement: NKX2-5 is on the minus strand). VCF-style: chr5-173233356-T-G. GRCh37 (hg19) VCF-style: chr5-172660359-T-G.
Other names: c.*141A>C (NM_001166175.2); c.443A>C, p.His148Pro (NM_001166176.2); short protein forms H148P.
Identifiers: ClinVar variation 3348924 (VCV003348924.7).

ClinVar aggregate classification (germline): Likely benign. Review status: criteria provided, single submitter (1 of 4 stars). 2 submissions from 2 submitters: Likely benign (1). 1 of the submissions does not count toward it. Last evaluated 2025-10-01.

Conditions:
NKX2-5-related disorder. Also called: NKX2-5-related condition.

gnomAD v4.1: 21 of 1,536,736 alleles (0.0014%); highest among the groups gnomAD compares: South Asian, 0.025%; no homozygotes.

Submissions (2):

CeGaT Center for Human Genetics Tuebingen
Classification: Likely benign. Last evaluated: 2025-10-01. Review status: criteria provided, single submitter. Criteria: CeGaT Center For Human Genetics Tuebingen Variant Classification Criteria Version 2. Collection method: clinical testing. Allele origin: germline. Affected: yes. Observed: 1 variant allele.
Comment: NKX2-5: BP4

PreventionGenetics, part of Exact Sciences
Classification: Uncertain significance for NKX2-5-related condition. Last evaluated: 2024-06-10. Review status: no assertion criteria provided. Collection method: clinical testing. Allele origin: germline. Not counted in ClinVar's aggregate classification.
Comment: The NKX2-5 c.443A>C variant is predicted to result in the amino acid substitution p.His148Pro. To our knowledge, this variant has not been reported in the literature. This variant is reported in 0.018% of alleles in individuals of South Asian descent in gnomAD. At this time, the clinical significance of this variant is uncertain due to the absence of conclusive functional and genetic evidence.